The following is an entry in ClinVar:

NM_000246.4(CIITA):c.3361C>A (p.Gln1121Lys)

Gene: CIITA (class II major histocompatibility complex transactivator; plus strand). Cytogenetic location: 16p13.13.
Variant type: single nucleotide variant.
Coding change: c.3361C>A on transcript NM_000246.4 (MANE Select); coding-DNA position 3361, C replaced by A.
Protein change: p.Gln1121Lys; replaces glutamine 1121 with lysine.
Molecular consequence: missense variant. On other transcripts: non-coding transcript variant (1).
Genome position (GRCh38, 1-based): chr16:10,923,271, C>A. VCF-style: chr16-10923271-C-A. GRCh37 (hg19) VCF-style: chr16-11017128-C-A.
Other names: c.3364C>A, p.Gln1122Lys (NM_001286402.1, NM_001379332.1); c.1609C>A, p.Gln537Lys (NM_001286403.2); c.3217C>A, p.Gln1073Lys (NM_001379330.1); c.3214C>A, p.Gln1072Lys (NM_001379331.1); c.3361C>A, p.Gln1121Lys (NM_001379333.1); c.3292C>A, p.Gln1098Lys (NM_001379334.1); short protein forms Q1072K, Q1073K, Q1098K, Q1121K, Q1122K, Q537K.
Identifiers: ClinVar variation 1055251 (VCV001055251.9), dbSNP rs2145173097, ClinGen allele CA394724655.

ClinVar aggregate classification (germline): Uncertain significance (1 of 4 stars; one submission).

Conditions:
MHC class II deficiency. Also called: BLS, TYPE II; Bare lymphocyte syndrome 2. Identifiers: Orphanet 572, MedGen C5447452, MONDO:0008855.

Allele frequency attached by ClinVar (database versions not stated): gnomAD exomes below 0.00001.
gnomAD v4.1: 1 of 1,545,152 alleles (0.000065%); highest among the groups gnomAD compares: Non-Finnish European, 0.000088%; no homozygotes.

Submission:

Labcorp Genetics (formerly Invitae), Labcorp
Classification: Uncertain significance for MHC class II deficiency. Last evaluated: 2023-08-24. Review status: criteria provided, single submitter. Criteria: Invitae Variant Classification Sherloc (09022015). Collection method: clinical testing. Allele origin: germline.
Comment: In summary, the available evidence is currently insufficient to determine the role of this variant in disease. Therefore, it has been classified as a Variant of Uncertain Significance. An algorithm developed to predict the effect of missense changes on protein structure and function (PolyPhen-2) suggests that this variant is likely to be tolerated. ClinVar contains an entry for this variant (Variation ID: 1055251). This variant has not been reported in the literature in individuals affected with CIITA-related conditions. This variant is not present in population databases (gnomAD no frequency). This sequence change replaces glutamine, which is neutral and polar, with lysine, which is basic and polar, at codon 1121 of the CIITA protein (p.Gln1121Lys).